The following is an entry in ClinVar:

NM_144499.3(GNAT1):c.640G>A (p.Val214Met)

Gene: GNAT1 (G protein subunit alpha transducin 1; plus strand). Cytogenetic location: 3p21.31.
Variant type: single nucleotide variant.
Coding change: c.640G>A on transcript NM_144499.3 (MANE Select); coding-DNA position 640, G replaced by A.
Protein change: p.Val214Met; replaces valine 214 with methionine.
Molecular consequence: missense variant.
Genome position (GRCh38, 1-based): chr3:50,194,153, G>A. VCF-style: chr3-50194153-G-A. GRCh37 (hg19) VCF-style: chr3-50231586-G-A.
Other names: c.640G>A, p.Val214Met (NM_000172.4); short protein forms V214M.
Identifiers: ClinVar variation 1715486 (VCV001715486.5), dbSNP rs2546146230, ClinGen allele CA352917031.
Genomic context (GRCh38, chr3:50,194,153, plus strand): 5'-ATGTTCGATGTGGGCGGGCAGCGCTCGGAGCGCAAGAAGTGGATCCACTGCTTCGAGGGC[G>A]TGACCTGCATCATCTTCATCGCGGCGCTGAGCGCCTACGACATGGTGCTAGTGGAGGACG-3'
Protein context (NP_653082.1, residues 204-224): RKKWIHCFEG[Val214Met]TCIIFIAALS

ClinVar aggregate classification (germline): Uncertain significance (1 of 4 stars; one submission).

Submission:

Labcorp Genetics (formerly Invitae), Labcorp
Classification: Uncertain significance. Last evaluated: 2022-08-07. Review status: criteria provided, single submitter. Criteria: Invitae Variant Classification Sherloc (09022015). Collection method: clinical testing. Allele origin: germline.
Comment: This variant has not been reported in the literature in individuals affected with GNAT1-related conditions. Algorithms developed to predict the effect of missense changes on protein structure and function are either unavailable or do not agree on the potential impact of this missense change (SIFT: "Deleterious"; PolyPhen-2: "Probably Damaging"; Align-GVGD: "Class C0"). In summary, the available evidence is currently insufficient to determine the role of this variant in disease. Therefore, it has been classified as a Variant of Uncertain Significance. This variant is not present in population databases (gnomAD no frequency). This sequence change replaces valine, which is neutral and non-polar, with methionine, which is neutral and non-polar, at codon 214 of the GNAT1 protein (p.Val214Met).